The following is an entry in ClinVar:

ClinVar aggregate classification (germline): Uncertain significance. Review status: criteria provided, multiple submitters, no conflicts (2 of 4 stars). 2 submissions from 2 submitters: Uncertain significance (2). Last evaluated 2026-01-26.

Conditions:
Epidermodysplasia verruciformis. Identifiers: Orphanet 302, MedGen C0014522, MONDO:0009176.

Allele frequency attached by ClinVar (database versions not stated): ExAC 0.00001; gnomAD 0.00001; gnomAD exomes 0.00001; TOPMed 0.00001.
gnomAD v4.1: 10 of 1,613,192 alleles (0.00062%); highest among the groups gnomAD compares: Non-Finnish European, 0.00085%; no homozygotes.

Submissions (2):

Labcorp Genetics (formerly Invitae), Labcorp
Classification: Uncertain significance for Epidermodysplasia verruciformis. Last evaluated: 2026-01-26. Review status: criteria provided, single submitter. Criteria: Invitae Variant Classification Sherloc (09022015). Collection method: clinical testing. Allele origin: germline.
Comment: This sequence change replaces valine, which is neutral and non-polar, with alanine, which is neutral and non-polar, at codon 749 of the TMC6 protein (p.Val749Ala). This variant is present in population databases (rs764486479, gnomAD 0.003%). This variant has not been reported in the literature in individuals affected with TMC6-related conditions. ClinVar contains an entry for this variant (Variation ID: 840617). An algorithm developed to predict the effect of missense changes on protein structure and function (PolyPhen-2) suggests that this variant is likely to be tolerated. In summary, the available evidence is currently insufficient to determine the role of this variant in disease. Therefore, it has been classified as a Variant of Uncertain Significance.

Blueprint Genetics
Classification: Uncertain significance. Last evaluated: 2024-04-15. Review status: criteria provided, single submitter. Criteria: ACMG Guidelines, 2015. Collection method: clinical testing. Allele origin: germline.

NM_001127198.5(TMC6):c.2246T>C (p.Val749Ala)

Gene: TMC6 (transmembrane channel like 6; minus strand). Cytogenetic location: 17q25.3.
Variant type: single nucleotide variant.
Coding change: c.2246T>C on transcript NM_001127198.5 (MANE Select); coding-DNA position 2246, T replaced by C.
Protein change: p.Val749Ala; replaces valine 749 with alanine.
Molecular consequence: missense variant.
Genome position (GRCh38, 1-based): chr17:78,117,300, A>G on the plus strand (T>C on the coding strand, the complement: TMC6 is on the minus strand). VCF-style: chr17-78117300-A-G. GRCh37 (hg19) VCF-style: chr17-76113381-A-G.
Other names: c.2246T>C, p.Val749Ala (NM_001321185.1, NM_001374596.1, NM_001375353.1 and 2 more transcripts); c.2066T>C, p.Val689Ala (NM_001374593.1, NM_001374594.1); short protein forms V689A, V749A.
Identifiers: ClinVar variation 840617 (VCV000840617.9), dbSNP rs764486479, ClinGen allele CA8795367.